The following is an entry in ClinVar:

NM_001349253.2(SCN11A):c.3086G>A (p.Cys1029Tyr)

Gene: SCN11A (sodium voltage-gated channel alpha subunit 11; minus strand). Cytogenetic location: 3p22.2.
Variant type: single nucleotide variant.
Coding change: c.3086G>A on transcript NM_001349253.2 (MANE Select); coding-DNA position 3086, G replaced by A.
Protein change: p.Cys1029Tyr; replaces cysteine 1029 with tyrosine.
Molecular consequence: missense variant.
Genome position (GRCh38, 1-based): chr3:38,883,366, C>T on the plus strand (G>A on the coding strand, the complement: SCN11A is on the minus strand). VCF-style: chr3-38883366-C-T. GRCh37 (hg19) VCF-style: chr3-38924857-C-T.
Other names: c.3086G>A, p.Cys1029Tyr (NM_014139.3); short protein forms C1029Y.
Identifiers: ClinVar variation 2954311 (VCV002954311.3), dbSNP rs1575242728, ClinGen allele CA352173271.

ClinVar aggregate classification (germline): Uncertain significance (1 of 4 stars; one submission).

Conditions:
Familial episodic pain syndrome with predominantly lower limb involvement. Also called: Episodic pain syndrome, familial, 3. Identifiers: Orphanet 391384, Orphanet 391392, MedGen C3809899, MONDO:0014247, OMIM 615552.
Hereditary sensory and autonomic neuropathy type 7. Also called: HSAN VII; Neuropathy, hereditary sensory and autonomic, type VII. Identifiers: Orphanet 391397, MedGen C3809882, MONDO:0014244, OMIM 615548.

Submission:

Labcorp Genetics (formerly Invitae), Labcorp
Classification: Uncertain significance for Familial episodic pain syndrome with predominantly lower limb involvement; Hereditary sensory and autonomic neuropathy type 7. Last evaluated: 2023-12-21. Review status: criteria provided, single submitter. Criteria: Invitae Variant Classification Sherloc (09022015). Collection method: clinical testing. Allele origin: germline.
Comment: This sequence change replaces cysteine, which is neutral and slightly polar, with tyrosine, which is neutral and polar, at codon 1029 of the SCN11A protein (p.Cys1029Tyr). This variant is not present in population databases (gnomAD no frequency). This variant has not been reported in the literature in individuals affected with SCN11A-related conditions. Advanced modeling of protein sequence and biophysical properties (such as structural, functional, and spatial information, amino acid conservation, physicochemical variation, residue mobility, and thermodynamic stability) performed at Invitae indicates that this missense variant is not expected to disrupt SCN11A protein function with a negative predictive value of 80%. In summary, the available evidence is currently insufficient to determine the role of this variant in disease. Therefore, it has been classified as a Variant of Uncertain Significance.